The following is an entry in ClinVar:

ClinVar aggregate classification (germline): Uncertain significance. Review status: criteria provided, multiple submitters, no conflicts (2 of 4 stars). 2 submissions from 2 submitters: Uncertain significance (2). Last evaluated 2022-11-30.

Conditions:
Inborn genetic diseases. Identifiers: MedGen C0950123, MeSH D030342.

Allele frequency attached by ClinVar (database versions not stated): gnomAD 0.00001 and 0.00002; gnomAD exomes 0.00003; TOPMed 0.00003; ExAC 0.00004; ESP Exome Variant Server 0.00015; 1000 Genomes Project 30x 0.00016; 1000 Genomes Project 0.00020.
gnomAD v4.1: 27 of 1,613,996 alleles (0.0017%); highest among the groups gnomAD compares: South Asian, 0.0044%; no homozygotes.

Submissions (2):

Ambry Genetics
Classification: Uncertain significance for Inborn genetic diseases. Last evaluated: 2022-11-30. Review status: criteria provided, single submitter. Criteria: Ambry Variant Classification Scheme 2023. Collection method: clinical testing. Allele origin: germline.

Labcorp Genetics (formerly Invitae), Labcorp
Classification: Uncertain significance. Last evaluated: 2021-09-15. Review status: criteria provided, single submitter. Criteria: Invitae Variant Classification Sherloc (09022015). Collection method: clinical testing. Allele origin: germline.
Comment: This sequence change replaces threonine with methionine at codon 2373 of the HSPG2 protein (p.Thr2373Met). The threonine residue is weakly conserved and there is a moderate physicochemical difference between threonine and methionine. This variant is present in population databases (rs141458309, ExAC 0.02%). This variant has not been reported in the literature in individuals affected with HSPG2-related conditions. Algorithms developed to predict the effect of missense changes on protein structure and function output the following: SIFT: "Deleterious"; PolyPhen-2: "Benign"; Align-GVGD: "Class C0". The methionine amino acid residue is found in multiple mammalian species, which suggests that this missense change does not adversely affect protein function. In summary, the available evidence is currently insufficient to determine the role of this variant in disease. Therefore, it has been classified as a Variant of Uncertain Significance.

NM_005529.7(HSPG2):c.7118C>T (p.Thr2373Met)

Gene: HSPG2 (heparan sulfate proteoglycan 2; minus strand). Cytogenetic location: 1p36.12.
Variant type: single nucleotide variant.
Coding change: c.7118C>T on transcript NM_005529.7 (MANE Select); coding-DNA position 7118, C replaced by T.
Protein change: p.Thr2373Met; replaces threonine 2373 with methionine.
Molecular consequence: missense variant.
Genome position (GRCh38, 1-based): chr1:21,851,586, G>A on the plus strand (C>T on the coding strand, the complement: HSPG2 is on the minus strand). VCF-style: chr1-21851586-G-A. GRCh37 (hg19) VCF-style: chr1-22178079-G-A.
Other names: c.7121C>T, p.Thr2374Met (NM_001291860.2); c.7118C>T (NM_005529.5); short protein forms T2373M, T2374M.
Identifiers: ClinVar variation 1402112 (VCV001402112.4), dbSNP rs141458309, ClinGen allele CA671309.
Genomic context (GRCh38, chr1:21,851,586, plus strand): 5'-TCTGTCCTCCAGTCCCATACCTGGTGCCGGACAGGGAGGCTGCCCCCACGCTTGTGCCAC[G>A]TGACCTGGGCATGGGACTGCCCGGGCACCACGCAGTTCAGATCCAGGGTCTGCCCTTCCG-3'
Protein context (NP_005520.4, residues 2363-2383): VVPGQSHAQV[Thr2373Met]WHKRGGSLPV